The following is an entry in ClinVar:

NM_000245.4(MET):c.783C>G (p.Phe261Leu)

Gene: MET (MET proto-oncogene, receptor tyrosine kinase; plus strand). Cytogenetic location: 7q31.2.
Variant type: single nucleotide variant.
Coding change: c.783C>G on transcript NM_000245.4 (MANE Select); coding-DNA position 783, C replaced by G.
Protein change: p.Phe261Leu; replaces phenylalanine 261 with leucine.
Molecular consequence: missense variant. On other transcripts: intron variant (1).
Genome position (GRCh38, 1-based): chr7:116,699,867, C>G. VCF-style: chr7-116699867-C-G. GRCh37 (hg19) VCF-style: chr7-116339921-C-G.
Other names: c.783C>G, p.Phe261Leu (NM_001127500.3, NM_001324401.3); c.-91+27290C>G (NM_001324402.2); short protein forms F261L.
Identifiers: ClinVar variation 5024350 (VCV005024350.1).

ClinVar aggregate classification (germline): Uncertain significance (1 of 4 stars; one submission).

Conditions:
Hereditary cancer-predisposing syndrome. Also called: Neoplastic Syndromes, Hereditary; Tumor predisposition; Hereditary neoplastic syndrome; Hereditary Cancer Syndrome. Identifiers: Orphanet 140162, MedGen C0027672, MeSH D009386, MONDO:0015356.

Submission:

Ambry Genetics
Classification: Uncertain significance for Hereditary cancer-predisposing syndrome. Last evaluated: 2026-07-06. Review status: criteria provided, single submitter. Criteria: Ambry Variant Classification Scheme 2023. Collection method: clinical testing. Allele origin: germline.
Comment: The p.F261L variant (also known as c.783C>G), located in coding exon 1 of the MET gene, results from a C to G substitution at nucleotide position 783. The phenylalanine at codon 261 is replaced by leucine, an amino acid with highly similar properties. This amino acid position is conserved. In addition, the in silico prediction for this alteration is inconclusive. Based on the available evidence, the clinical significance of this variant remains unclear.